The following is an entry in ClinVar:

ClinVar aggregate classification (germline): Uncertain significance (1 of 4 stars; one submission).

Conditions:
Very long chain acyl-CoA dehydrogenase deficiency (ACADVLD). Also called: Very Long-Chain Acyl-Coenzyme A Dehydrogenase Deficiency; VLCAD Deficiency. Identifiers: Orphanet 26793, MedGen C3887523, MONDO:0008723, OMIM 201475.

Allele frequency attached by ClinVar (database versions not stated): ExAC 0.00001; gnomAD exomes 0.00001; gnomAD 0.00002.

Submission:

Labcorp Genetics (formerly Invitae), Labcorp
Classification: Uncertain significance for Very long chain acyl-CoA dehydrogenase deficiency. Last evaluated: 2022-07-12. Review status: criteria provided, single submitter. Criteria: Invitae Variant Classification Sherloc (09022015). Collection method: clinical testing. Allele origin: germline.
Comment: This sequence change replaces leucine, which is neutral and non-polar, with valine, which is neutral and non-polar, at codon 519 of the ACADVL protein (p.Leu519Val). This variant is present in population databases (rs781063725, gnomAD 0.009%). This variant has not been reported in the literature in individuals affected with ACADVL-related conditions. ClinVar contains an entry for this variant (Variation ID: 1520150). Advanced modeling of protein sequence and biophysical properties (such as structural, functional, and spatial information, amino acid conservation, physicochemical variation, residue mobility, and thermodynamic stability) performed at Invitae indicates that this missense variant is expected to disrupt ACADVL protein function. Algorithms developed to predict the effect of sequence changes on RNA splicing suggest that this variant may create or strengthen a splice site. In summary, the available evidence is currently insufficient to determine the role of this variant in disease. Therefore, it has been classified as a Variant of Uncertain Significance.

NM_000018.4(ACADVL):c.1555C>G (p.Leu519Val)

Gene: ACADVL (acyl-CoA dehydrogenase very long chain; plus strand). Cytogenetic location: 17p13.1.
Variant type: single nucleotide variant.
Coding change: c.1555C>G on transcript NM_000018.4 (MANE Select); coding-DNA position 1555, C replaced by G.
Protein change: p.Leu519Val; replaces leucine 519 with valine.
Molecular consequence: missense variant.
Genome position (GRCh38, 1-based): chr17:7,224,343, C>G. VCF-style: chr17-7224343-C-G. GRCh37 (hg19) VCF-style: chr17-7127662-C-G.
Other names: c.1489C>G, p.Leu497Val (NM_001033859.3); c.1624C>G, p.Leu542Val (NM_001270447.2); c.1327C>G, p.Leu443Val (NM_001270448.2); short protein forms L443V, L497V, L542V, L519V.
Identifiers: ClinVar variation 1520150 (VCV001520150.5), dbSNP rs781063725, ClinGen allele CA8338153.